The following is an entry in ClinVar:

NM_001329943.3(KIAA0586):c.1424A>C (p.Gln475Pro)

Gene: KIAA0586 (KIAA0586; plus strand). Cytogenetic location: 14q23.1.
Variant type: single nucleotide variant.
Coding change: c.1424A>C on transcript NM_001329943.3 (MANE Select); coding-DNA position 1424, A replaced by C.
Protein change: p.Gln475Pro; replaces glutamine 475 with proline.
Molecular consequence: missense variant.
Genome position (GRCh38, 1-based): chr14:58,457,820, A>C. VCF-style: chr14-58457820-A-C. GRCh37 (hg19) VCF-style: chr14-58924538-A-C.
Other names: c.1583A>C, p.Gln528Pro (NM_001244189.2); c.1379A>C, p.Gln460Pro (NM_001244190.2); c.1169A>C, p.Gln390Pro (NM_001244191.2, NM_001329945.2, NM_001364700.1 and 1 more transcripts); c.1292A>C, p.Gln431Pro (NM_001244192.2); c.1004A>C, p.Gln335Pro (NM_001244193.2); c.1424A>C, p.Gln475Pro (NM_001329944.2, NM_001329946.2, NM_001329947.2 and 1 more transcripts); short protein forms Q335P, Q390P, Q431P, Q460P, Q475P, Q528P.
Identifiers: ClinVar variation 3761064 (VCV003761064.1).

ClinVar aggregate classification (germline): Uncertain significance (1 of 4 stars; one submission).

Conditions:
Joubert syndrome 23 (JBTS23). Identifiers: Orphanet 475, MedGen C4084822, MONDO:0014664, OMIM 616490.
Short-rib thoracic dysplasia 14 with polydactyly (SRTD14). Identifiers: Orphanet 397715, MedGen C4225286, MONDO:0014688, OMIM 616546.

Submission:

Labcorp Genetics (formerly Invitae), Labcorp
Classification: Uncertain significance for Joubert syndrome 23; Short-rib thoracic dysplasia 14 with polydactyly. Last evaluated: 2024-07-27. Review status: criteria provided, single submitter. Criteria: Invitae Variant Classification Sherloc (09022015). Collection method: clinical testing. Allele origin: germline.
Comment: This sequence change replaces glutamine, which is neutral and polar, with proline, which is neutral and non-polar, at codon 528 of the KIAA0586 protein (p.Gln528Pro). This variant is not present in population databases (gnomAD no frequency). This variant has not been reported in the literature in individuals affected with KIAA0586-related conditions. An algorithm developed to predict the effect of missense changes on protein structure and function outputs the following: PolyPhen-2: "Possibly Damaging". The proline amino acid residue is found in multiple mammalian species, which suggests that this missense change does not adversely affect protein function. In summary, the available evidence is currently insufficient to determine the role of this variant in disease. Therefore, it has been classified as a Variant of Uncertain Significance.